The following continues an entry in ClinVar:

NM_000257.4(MYH7):c.2156G>A (p.Arg719Gln)

Gene: MYH7. ClinVar aggregate classification (germline): Pathogenic. Pathogenic (1).

Submissions 8 to 23 of 23:

CHEO Genetics Diagnostic Laboratory, Children's Hospital of Eastern Ontario
Classification: Pathogenic for Cardiomyopathy. Last evaluated: 2022-09-07. Review status: criteria provided, single submitter. Criteria: ACMG Guidelines, 2015. Collection method: clinical testing. Allele origin: germline. Not counted in ClinVar's aggregate classification.

ARUP Laboratories, Molecular Genetics and Genomics, ARUP Laboratories
Classification: Pathogenic. Last evaluated: 2022-05-06. Review status: criteria provided, single submitter. Criteria: ARUP Molecular Germline Variant Investigation Process 2021. Collection method: clinical testing. Allele origin: germline. Not counted in ClinVar's aggregate classification.
Comment: The MYH7 c.2156G>A; p.Arg719Gln variant (rs121913641) is reported in the literature in multiple individuals and families with hypertrophic cardiomyopathy, and shown to co-segregate with disease (Burns 2017, Consevage 1994, Gonzalez-Quereda 2020, Robyns 2020, Walsh 2017). This variant is classified as pathogenic by an expert review panel in ClinVar (Variation ID: 14107). It is absent from the Genome Aggregation Database, indicating it is not a common polymorphism. The arginine at codon 719 is highly conserved, and computational analyses are uncertain whether this variant is benign or deleterious (REVEL: 0.694). Based on available information, this variant is considered to be pathogenic. References: Burns C et al. Multiple Gene Variants in Hypertrophic Cardiomyopathy in the Era of Next-Generation Sequencing. Circ Cardiovasc Genet. 2017 Aug;10(4):e001666. PMID: 28790153. Consevage MW et al. A new missense mutation, Arg719Gln, in the beta-cardiac heavy chain myosin gene of patients with familial hypertrophic cardiomyopathy. Hum Mol Genet. 1994 Jun;3(6):1025-6. PMID: 7848441. Gonzalez-Quereda L et al. Targeted Next-Generation Sequencing in a Large Cohort of Genetically Undiagnosed Patients with Neuromuscular Disorders in Spain. Genes (Basel). 2020 May 11;11(5):539. PMID: 32403337. Robyns T et al. Clinical and ECG variables to predict the outcome of genetic testing in hypertrophic cardiomyopathy. Eur J Med Genet. 2020 Mar;63(3):103754. PMID: 31513939. Walsh R et al. Reassessment of Mendelian gene pathogenicity using 7,855 cardiomyopathy cases and 60,706 reference samples. Genet Med. 2017 Feb;19(2):192-203. PMID: 27532257.

GeneDx
Classification: Pathogenic. Last evaluated: 2021-11-24. Review status: criteria provided, single submitter. Criteria: GeneDx Variant Classification Process June 2021. Collection method: clinical testing. Allele origin: germline. Affected: yes. Not counted in ClinVar's aggregate classification.
Comment: Identified in multiple unrelated individuals diagnosed with HCM from various ethnic backgrounds (Consevage et al., 1994; Moolman-Smook et al., 1999; Van Driest et al., 2002; Richard et al., 2003; Van Driest et al., 2004; Ingles et al., 2005; Fokstuen et al., 2011; Kassem et al., 2013; Liu et al., 2013; Marsiglia et al., 2013; Nunez et al., 2013; Kapplinger et al., 2014; Rubattu et al., 2016; Burns et al., 2017); Classified in ClinVar as a pathogenic variant by the ClinGen Inherited Cardiomyopathy Expert Panel (SCV000564422.4; Landrum et al., 2016); Not observed in large population cohorts (Lek et al., 2016); Published functional studies demonstrate reduced actin filament velocity and mouse models show pathologic remodeling in cardiac tissue (Yamashita et al., 2000; Teekakirikul et al., 2010); In silico analysis supports that this missense variant does not alter protein structure/function; This variant is associated with the following publications: (PMID: 15858117, 27483260, 27532257, 27247418, 31006259, 18411228, 12473556, 12707239, 11968089, 15358028, 16199542, 18403758, 19645038, 20811150, 20309391, 20800588, 23233322, 24510615, 23782526, 24093860, 11498078, 10521296, 23711808, 21239446, 27590665, 21310275, 28323875, 28790153, 29300372, 31513939, 32403337, 30847666, 32894683, 33673806, 7848441, 10882745)

Blueprint Genetics
Classification: Pathogenic for MYH7-related disorders. Last evaluated: 2021-07-29. Review status: criteria provided, single submitter. Criteria: ACMG Guidelines, 2015. Collection method: clinical testing. Allele origin: germline. Affected: yes. Observed: 4 variant alleles. Not counted in ClinVar's aggregate classification.

Institute of Medical Genetics and Applied Genomics, University Hospital Tübingen
Classification: Pathogenic. Last evaluated: 2021-06-17. Review status: criteria provided, single submitter. Criteria: ACMG Guidelines, 2015. Collection method: clinical testing. Allele origin: germline. Inheritance: Autosomal dominant inheritance. Affected: yes. Not counted in ClinVar's aggregate classification.

Center for Human Genetics, University of Leuven
Classification: Pathogenic for Hypertrophic cardiomyopathy. Last evaluated: 2018-10-31. Review status: criteria provided, single submitter. Criteria: ACMG Guidelines, 2015. Collection method: clinical testing. Allele origin: germline. Affected: yes. Not counted in ClinVar's aggregate classification.

Stanford Center for Inherited Cardiovascular Disease, Stanford University
Classification: Likely pathogenic. Last evaluated: 2014-10-08. Review status: criteria provided, single submitter. Criteria: ACMG Guidelines, 2015. Collection method: provider interpretation. Allele origin: germline. Not counted in ClinVar's aggregate classification.

Agnes Ginges Centre for Molecular Cardiology, Centenary Institute
Classification: Pathogenic for Familial hypertrophic cardiomyopathy 1. Review status: criteria provided, single submitter. Criteria: Agnes Ginges Centre for Molecular Cardiology criteria (2015). Collection method: research. Allele origin: germline. Inheritance: Autosomal dominant inheritance. Affected: yes. Not counted in ClinVar's aggregate classification.
Comment: This MYH7 Arg719Gln mutation has previously been described in multiple HCM cohorts (see references). It was first reported in a Hispanic family with HCM (Consevage MW, et al., 1994) and has been detected in individuals of other ethnic backgrounds (Moolman-Smook JC, et al., 1999; Huang X, et al., 2001; Marsiglia JD, et al., 2013). This mutation has been shown to cosegregate with disease, however, disease espressivity is variable. Many reports have described the clinical characteristics of this MYH7 Arg719Gln mutation with early-onset disease (Consevage MW, et al., 1994) and/or a positive family history of sudden cardiac death events (Huang X, et al., 2001; Van Driest SL, et al., 2004; Fokstuen S, et al., 2008; Morita H, et al., 2008). This mutation occurs at a known hotspot region of the MYH7 gene and a different HCM causing mutation at this position (Arg719Trp) has been documented (Tesson F, et al., 1998; Marsiglia JD, et al., 2013). In our cohort, we have identified two HCM index cases with this Arg719Gln mutation, of which one case was identified to be a double heterozygote with another mutation in the MYBPC3 gene (Ingles J, et al., 2005). Based on literature evidence, familial segregation analysis, and absence in the Exome Aggregation Consortium dataset, we classify this variant as "pathogenic".

Juno Genomics, Hangzhou Juno Genomics, Inc
Classification: Pathogenic for Dilated cardiomyopathy 1S; Hypertrophic cardiomyopathy 1; Myosin storage myopathy; Myopathy, myosin storage, autosomal recessive; MYH7-related skeletal myopathy. Review status: criteria provided, single submitter. Criteria: ACMG Guidelines, 2015. Collection method: clinical testing. Allele origin: germline. Affected: yes. Not counted in ClinVar's aggregate classification.
Comment: Absent from controls (or at extremely low frequency if recessive) in Genome Aggregation Database.;Multiple lines of computational evidence support a deleterious effect on the gene or gene product.;Located in a mutational hot spot and/or critical and well-established functional domain without benign variation.;Novel missense change at an amino acid residue where a different missense change determined to be pathogenic has been seen before.;The prevalence of the variant in affected individuals is significantly increased compared to the prevalence in controls.;Co-segregation with disease in multiple affected family members.

Laboratory of Genetics and Molecular Cardiology, University of São Paulo
Classification: Likely pathogenic for Hypertrophic cardiomyopathy 1. Review status: criteria provided, single submitter. Criteria: LGCM Criteria August 2015. Collection method: clinical testing. Allele origin: germline. Inheritance: Autosomal dominant inheritance. Affected: yes. Observed: 2 variant alleles. Study: Sarcomeric Human Cardiomyopathy Registry (ShaRe). Not counted in ClinVar's aggregate classification.

Clinical Molecular Genetics Laboratory, Johns Hopkins All Children's Hospital
Classification: Likely pathogenic for Hypertrophic cardiomyopathy. Last evaluated: 2016-03-03. Review status: no assertion criteria provided. Collection method: clinical testing. Allele origin: germline. Affected: yes. Not counted in ClinVar's aggregate classification.

OMIM
Classification: Pathogenic for CARDIOMYOPATHY, FAMILIAL HYPERTROPHIC, 1. Last evaluated: 1999-11-01. Review status: no assertion criteria provided. Collection method: literature only. Allele origin: germline. Not counted in ClinVar's aggregate classification.

Clinical Genetics, Academic Medical Center
Classification: Pathogenic. Review status: no assertion criteria provided. Collection method: clinical testing. Allele origin: germline. Affected: yes. Study: VKGL Data-share Consensus. Not counted in ClinVar's aggregate classification.

Diagnostic Laboratory, Department of Genetics, University Medical Center Groningen
Classification: Pathogenic. Review status: no assertion criteria provided. Collection method: clinical testing. Allele origin: germline. Affected: yes. Study: VKGL Data-share Consensus. Not counted in ClinVar's aggregate classification.

Genome Diagnostics Laboratory, University Medical Center Utrecht
Classification: Pathogenic. Review status: no assertion criteria provided. Collection method: clinical testing. Allele origin: germline. Affected: yes. Study: VKGL Data-share Consensus. Not counted in ClinVar's aggregate classification.

Joint Genome Diagnostic Labs from Nijmegen and Maastricht, Radboudumc and MUMC+
Classification: Pathogenic. Review status: no assertion criteria provided. Collection method: clinical testing. Allele origin: germline. Affected: yes. Study: VKGL Data-share Consensus. Not counted in ClinVar's aggregate classification.

Literature cited by the submitters: PubMed 16199542 (cited by 6 submitters); PubMed 15358028 (cited by 5 submitters); PubMed 7848441 (cited by 6 submitters); PubMed 15858117 (cited by ClinGen Cardiomyopathy Variant Curation Expert Panel and Labcorp Genetics (formerly Invitae), Labcorp); PubMed 27532257 (cited by 3 submitters); PubMed 18411228 (cited by 5 submitters); PubMed 29300372 (cited by ClinGen Cardiomyopathy Variant Curation Expert Panel and Ambry Genetics); PubMed 15519027 (cited by Labcorp Genetics (formerly Invitae), Labcorp); PubMed 18409188 (cited by 3 submitters); PubMed 21896538 (cited by 3 submitters); PubMed 23140321 (cited by Labcorp Genetics (formerly Invitae), Labcorp and Laboratory for Molecular Medicine, Mass General Brigham Personalized Medicine); PubMed 23711808 (cited by Labcorp Genetics (formerly Invitae), Labcorp and Laboratory for Molecular Medicine, Mass General Brigham Personalized Medicine); PubMed 10882745 (cited by Labcorp Genetics (formerly Invitae), Labcorp); PubMed 8282798 (cited by Labcorp Genetics (formerly Invitae), Labcorp); PubMed 20811150 (cited by Labcorp Genetics (formerly Invitae), Labcorp); PubMed 21310275 (cited by Labcorp Genetics (formerly Invitae), Labcorp and Laboratory for Molecular Medicine, Mass General Brigham Personalized Medicine); PubMed 30297972 (cited by 3billion); PubMed 14563299 (cited by 3billion); PubMed 10521296 (cited by 4 submitters); PubMed 11498078 (cited by 4 submitters); PubMed 24510615 (cited by Ambry Genetics and Laboratory for Molecular Medicine, Mass General Brigham Personalized Medicine); PubMed 27247418 (cited by Ambry Genetics); PubMed 27483260 (cited by Ambry Genetics and Laboratory for Molecular Medicine, Mass General Brigham Personalized Medicine); PubMed 12473556 (cited by Laboratory for Molecular Medicine, Mass General Brigham Personalized Medicine); PubMed 12707239 (cited by Laboratory for Molecular Medicine, Mass General Brigham Personalized Medicine and Agnes Ginges Centre for Molecular Cardiology, Centenary Institute); PubMed 20800588 (cited by Laboratory for Molecular Medicine, Mass General Brigham Personalized Medicine); PubMed 20309391 (cited by Laboratory for Molecular Medicine, Mass General Brigham Personalized Medicine); PubMed 24093860 (cited by Laboratory for Molecular Medicine, Mass General Brigham Personalized Medicine and Agnes Ginges Centre for Molecular Cardiology, Centenary Institute); PubMed 18403758 (cited by Agnes Ginges Centre for Molecular Cardiology, Centenary Institute); PubMed 9829907 (cited by Agnes Ginges Centre for Molecular Cardiology, Centenary Institute); PubMed 20624503 (cited by Agnes Ginges Centre for Molecular Cardiology, Centenary Institute); PubMed 1552912 (cited by OMIM).